The following is an entry in ClinVar:

ClinVar aggregate classification (germline): Uncertain significance (1 of 4 stars; one submission).

Conditions:
Atrial standstill 1 (ATRST1). Also called: ATRIAL CARDIOMYOPATHY WITH HEART BLOCK; CARDIOMYOPATHY, FAMILIAL, WITH CONDUCTION DISTURBANCE; Atrial standstill, digenic (GJA5/SCN5A). Identifiers: Orphanet 1344, MedGen C4551959, MONDO:0007171, OMIM 108770.
Atrial fibrillation, familial, 11 (ATFB11). Identifiers: MedGen C3279693, MONDO:0013544, OMIM 614049.

Submission:

Labcorp Genetics (formerly Invitae), Labcorp
Classification: Uncertain significance for Atrial fibrillation, familial, 11; Atrial standstill 1. Last evaluated: 2024-11-14. Review status: criteria provided, single submitter. Criteria: Invitae Variant Classification Sherloc (09022015). Collection method: clinical testing. Allele origin: germline.
Comment: This variant, c.827_838del, is a complex sequence change that results in the deletion of 5 and insertion of 1 amino acid(s) in the GJA5 protein (p.Gly276_Phe280delinsVal). This variant is not present in population databases (gnomAD no frequency). This variant has not been reported in the literature in individuals affected with GJA5-related conditions. ClinVar contains an entry for this variant (Variation ID: 2946556). Experimental studies and prediction algorithms are not available or were not evaluated, and the functional significance of this variant is currently unknown. In summary, the available evidence is currently insufficient to determine the role of this variant in disease. Therefore, it has been classified as a Variant of Uncertain Significance.

NM_181703.4(GJA5):c.827_838del (p.Gly276_Phe280delinsVal)

Genes: GJA5 (gap junction protein alpha 5; minus strand), LOC122128420 (Sharpr-MPRA regulatory region 3144; plus strand). Cytogenetic location: 1q21.2.
Variant type: Deletion.
Coding change: c.827_838del on transcript NM_181703.4 (MANE Select); coding-DNA positions 827 to 838, 12 bases deleted (GGGGAAAATTCT).
Protein change: p.Gly276_Phe280delinsVal.
Molecular consequence: inframe indel.
Genome position (GRCh38, 1-based): chr1:147,758,401-147,758,412, AGAATTTTCCCC deleted on the plus strand (GGGGAAAATTCT on the coding strand, the reverse complement: GJA5 is on the minus strand). VCF-style (leftmost placement, unchanged base first): chr1-147758400-AAGAATTTTCCCC-A. GRCh37 (hg19) VCF-style: chr1-147230508-AAGAATTTTCCCC-A.
Other names: c.827_838del, p.Gly276_Phe280delinsVal (NM_005266.7).
Identifiers: ClinVar variation 2946556 (VCV002946556.3), dbSNP rs2524608631, ClinGen allele CA2740090248.